The following is an entry in ClinVar:

NM_000081.4(LYST):c.10976G>T (p.Ser3659Ile)

Gene: LYST (lysosomal trafficking regulator; minus strand). Cytogenetic location: 1q42.3.
Variant type: single nucleotide variant.
Coding change: c.10976G>T on transcript NM_000081.4 (MANE Select); coding-DNA position 10976, G replaced by T.
Protein change: p.Ser3659Ile; replaces serine 3659 with isoleucine.
Molecular consequence: missense variant.
Genome position (GRCh38, 1-based): chr1:235,677,153, C>A on the plus strand (G>T on the coding strand, the complement: LYST is on the minus strand). VCF-style: chr1-235677153-C-A. GRCh37 (hg19) VCF-style: chr1-235840453-C-A.
Other names: c.10976G>T, p.Ser3659Ile (NM_001301365.1); short protein forms S3659I.
Identifiers: ClinVar variation 1313860 (VCV001313860.8), dbSNP rs1659445104, ClinGen allele CA344921298.

ClinVar aggregate classification (germline): Uncertain significance. Review status: criteria provided, multiple submitters, no conflicts (2 of 4 stars). 4 submissions from 4 submitters: Uncertain significance (4). Last evaluated 2025-08-29.

Conditions:
Inborn genetic diseases. Identifiers: MedGen C0950123, MeSH D030342.
Chédiak-Higashi syndrome (CHS). Also called: Chediak-Higashi Syndrome. Identifiers: Orphanet 167, MedGen C0007965, MONDO:0008963, OMIM 214500.

Allele frequency attached by ClinVar (database versions not stated): gnomAD 0.00001; gnomAD exomes 0.00001.
gnomAD v4.1: 9 of 1,613,766 alleles (0.00056%); highest among the groups gnomAD compares: Non-Finnish European, 0.00076%; no homozygotes.

Submissions (4):

Ambry Genetics
Classification: Uncertain significance for Inborn genetic diseases. Last evaluated: 2025-08-29. Review status: criteria provided, single submitter. Criteria: Ambry Variant Classification Scheme 2023. Collection method: clinical testing. Allele origin: germline.

GeneDx
Classification: Uncertain significance. Last evaluated: 2025-06-24. Review status: criteria provided, single submitter. Criteria: GeneDx Variant Classification Process June 2021. Collection method: clinical testing. Allele origin: germline. Affected: yes.
Comment: Not observed at significant frequency in large population cohorts (gnomAD); In silico analysis supports that this missense variant has a deleterious effect on protein structure/function; Has not been previously published as pathogenic or benign to our knowledge

Labcorp Genetics (formerly Invitae), Labcorp
Classification: Uncertain significance for Chédiak-Higashi syndrome. Last evaluated: 2022-06-13. Review status: criteria provided, single submitter. Criteria: Invitae Variant Classification Sherloc (09022015). Collection method: clinical testing. Allele origin: germline.
Comment: This sequence change replaces serine, which is neutral and polar, with isoleucine, which is neutral and non-polar, at codon 3659 of the LYST protein (p.Ser3659Ile). This variant is not present in population databases (gnomAD no frequency). This variant has not been reported in the literature in individuals affected with LYST-related conditions. ClinVar contains an entry for this variant (Variation ID: 1313860). Algorithms developed to predict the effect of missense changes on protein structure and function are either unavailable or do not agree on the potential impact of this missense change (SIFT: "Deleterious"; PolyPhen-2: "Probably Damaging"; Align-GVGD: "Class C0"). In summary, the available evidence is currently insufficient to determine the role of this variant in disease. Therefore, it has been classified as a Variant of Uncertain Significance.

Blueprint Genetics
Classification: Uncertain significance. Last evaluated: 2020-12-30. Review status: criteria provided, single submitter. Criteria: ACMG Guidelines, 2015. Collection method: clinical testing. Allele origin: germline.